The following is an entry in ClinVar:

NM_201384.3(PLEC):c.6464C>T (p.Ala2155Val)

Gene: PLEC (plectin; minus strand). Cytogenetic location: 8q24.3.
Variant type: single nucleotide variant.
Coding change: c.6464C>T on transcript NM_201384.3 (MANE Select); coding-DNA position 6464, C replaced by T.
Protein change: p.Ala2155Val; replaces alanine 2155 with valine.
Molecular consequence: missense variant.
Genome position (GRCh38, 1-based): chr8:143,923,465, G>A on the plus strand (C>T on the coding strand, the complement: PLEC is on the minus strand). VCF-style: chr8-143923465-G-A. GRCh37 (hg19) VCF-style: chr8-144997633-G-A.
Other names: c.6545C>T, p.Ala2182Val (NM_000445.5); c.6422C>T, p.Ala2141Val (NM_201378.4); c.6398C>T, p.Ala2133Val (NM_201379.3); c.6875C>T, p.Ala2292Val (NM_201380.4); c.6368C>T, p.Ala2123Val (NM_201381.3); c.6464C>T, p.Ala2155Val (NM_201382.4); c.6476C>T, p.Ala2159Val (NM_201383.3); short protein forms A2123V, A2133V, A2141V, A2155V, A2159V, A2182V, A2292V.
Identifiers: ClinVar variation 432861 (VCV000432861.45), dbSNP rs201922111, ClinGen allele CA4925980.

ClinVar aggregate classification (germline): Conflicting classifications of pathogenicity. Review status: criteria provided, conflicting classifications (1 of 4 stars). 8 submissions from 8 submitters: Uncertain significance (7); Likely benign (1). Last evaluated 2025-12-25.

Conditions:
Epidermolysis bullosa simplex 5B, with muscular dystrophy (EBS5B). Also called: Epidermolysis bullosa simplex with muscular dystrophy; EPIDERMOLYSIS BULLOSA SIMPLEX AND LIMB-GIRDLE MUSCULAR DYSTROPHY. Identifiers: Orphanet 257, MedGen C2931072, MONDO:0009181, OMIM 226670.
Epidermolysis bullosa simplex, Ogna type (EBS5A). Also called: Pidermolysis bullosa simplex 5A, Ogna type; EPIDERMOLYSIS BULLOSA SIMPLEX 5A, OGNA TYPE. Identifiers: Orphanet 79401, MedGen C0432317, MONDO:0007555, OMIM 131950.
Epidermolysis bullosa simplex 5C, with pyloric atresia (EBS5C). Also called: PLEC-Related Epidermolysis Bullosa with Pyloric Atresia; Epidermolysis bullosa simplex with pyloric atresia; PLEC1-Related Epidermolysis Bullosa with Pyloric Atresia. Identifiers: Orphanet 158684, MedGen C2677349, MONDO:0012807, OMIM 612138.
Epidermolysis bullosa simplex with nail dystrophy (EBS5D). Identifiers: MedGen C4225309, MONDO:0014661, OMIM 616487.
Autosomal recessive limb-girdle muscular dystrophy type 2Q (LGMDR17). Also called: MUSCULAR DYSTROPHY, LIMB-GIRDLE, AUTOSOMAL RECESSIVE 17. Identifiers: Orphanet 254361, MedGen C3150989, MONDO:0013390, OMIM 613723.
Inborn genetic diseases. Identifiers: MedGen C0950123, MeSH D030342.

Allele frequency attached by ClinVar (database versions not stated): gnomAD 0.00009 and 0.00010; TOPMed 0.00009; ESP Exome Variant Server 0.00017; 1000 Genomes Project 0.00020; gnomAD exomes 0.00024; ExAC 0.00030; 1000 Genomes Project 30x 0.00031.
gnomAD v4.1: 293 of 1,605,840 alleles (0.018%); highest among the groups gnomAD compares: South Asian, 0.088%; 2 homozygotes.

Submissions (8):

Labcorp Genetics (formerly Invitae), Labcorp
Classification: Uncertain significance for Autosomal recessive limb-girdle muscular dystrophy type 2Q; Epidermolysis bullosa simplex, Ogna type; Epidermolysis bullosa simplex with nail dystrophy; Epidermolysis bullosa simplex 5C, with pyloric atresia; Epidermolysis bullosa simplex 5B, with muscular dystrophy. Last evaluated: 2025-12-25. Review status: criteria provided, single submitter. Criteria: Invitae Variant Classification Sherloc (09022015). Collection method: clinical testing. Allele origin: germline.
Comment: This sequence change replaces alanine, which is neutral and non-polar, with valine, which is neutral and non-polar, at codon 2182 of the PLEC protein (p.Ala2182Val). This variant is present in population databases (rs201922111, gnomAD 0.07%). This missense change has been observed in individual(s) with epidermolysis bullosa simplex (PMID: 35579050). ClinVar contains an entry for this variant (Variation ID: 432861). An algorithm developed to predict the effect of missense changes on protein structure and function (PolyPhen-2) suggests that this variant is likely to be tolerated. In summary, the available evidence is currently insufficient to determine the role of this variant in disease. Therefore, it has been classified as a Variant of Uncertain Significance.

Athena Diagnostics
Classification: Uncertain significance. Last evaluated: 2025-10-10. Review status: criteria provided, single submitter. Criteria: Athena Diagnostics Criteria. Collection method: clinical testing. Allele origin: unknown.
Comment: Available data are insufficient to determine the clinical significance of the variant at this time. The frequency of this variant in the general population is higher than would generally be expected for pathogenic variants in this gene. Polyphen and MutationTaster yielded discordant predictions regarding whether this amino acid change is damaging to the protein.

Blueprint Genetics
Classification: Uncertain significance. Last evaluated: 2024-10-08. Review status: criteria provided, single submitter. Criteria: ACMG Guidelines, 2015. Collection method: clinical testing. Allele origin: germline.

CeGaT Center for Human Genetics Tuebingen
Classification: Uncertain significance. Last evaluated: 2023-10-01. Review status: criteria provided, single submitter. Criteria: CeGaT Center For Human Genetics Tuebingen Variant Classification Criteria Version 2. Collection method: clinical testing. Allele origin: germline. Affected: yes. Observed: 2 variant alleles.

Revvity Omics, Revvity
Classification: Uncertain significance. Last evaluated: 2023-01-24. Review status: criteria provided, single submitter. Criteria: ACMG Guidelines, 2015. Collection method: clinical testing. Allele origin: germline.

Ambry Genetics
Classification: Uncertain significance for Inborn genetic diseases. Last evaluated: 2022-11-30. Review status: criteria provided, single submitter. Criteria: Ambry Variant Classification Scheme 2023. Collection method: clinical testing. Allele origin: germline.

GeneDx
Classification: Likely benign. Last evaluated: 2018-11-29. Review status: criteria provided, single submitter. Criteria: GeneDx Variant Classification Process June 2021. Collection method: clinical testing. Allele origin: germline. Affected: yes.

Eurofins Ntd Llc (ga)
Classification: Uncertain significance. Last evaluated: 2018-03-15. Review status: criteria provided, single submitter. Criteria: EGL ClinVar v180209 classification definitions. Collection method: clinical testing. Allele origin: germline. Observed: 4 variant alleles, 4 heterozygotes.

Literature cited by the submitters: PubMed 35579050 (cited by Labcorp Genetics (formerly Invitae), Labcorp and Athena Diagnostics).